The following is an entry in ClinVar:

ClinVar aggregate classification (germline): Conflicting classifications of pathogenicity. Review status: criteria provided, conflicting classifications (1 of 4 stars). 3 submissions from 3 submitters: Uncertain significance (1); Likely benign (1). 1 of the submissions does not count toward it. Last evaluated 2025-12-08.

Conditions:
Thrombophilia due to protein S deficiency, autosomal dominant (THPH5). Identifiers: Orphanet 26349, Orphanet 743, MedGen C3278211, MONDO:0012868, OMIM 612336. Disease mechanism: loss of function.
Thrombophilia due to protein S deficiency, autosomal recessive (THPH6). Identifiers: Orphanet 743, MedGen C3281092, MONDO:0013791, OMIM 614514. Disease mechanism: loss of function.

Allele frequency attached by ClinVar (database versions not stated): gnomAD exomes 0.00003; TOPMed 0.00004; gnomAD 0.00005; ExAC 0.00002.
gnomAD v4.1: 47 of 1,612,594 alleles (0.0029%); highest among the groups gnomAD compares: Middle Eastern, 0.033%; no homozygotes.

Submissions (3):

Labcorp Genetics (formerly Invitae), Labcorp
Classification: Likely benign for Thrombophilia due to protein S deficiency, autosomal recessive. Last evaluated: 2025-12-08. Review status: criteria provided, single submitter. Criteria: Invitae Variant Classification Sherloc (09022015). Collection method: clinical testing. Allele origin: germline.

ISTH-SSC Genomics in Thrombosis and Hemostasis, KU Leuven, Center for Molecular and Vascular Biology
Classification: Uncertain significance for Thrombophilia due to protein S deficiency, autosomal dominant. Review status: criteria provided, single submitter. Criteria: ACMG Guidelines, 2015. Collection method: clinical testing. Allele origin: germline. Affected: yes. Observed: 1 heterozygote.
Comment: Submitted to GoldVariant by Kathleen Freson, Center for Molecular and Vascular Biology, Leuven, Belgium

Department of Transfusion Medicine and Hemostaseology, University Hospital Erlangen
Classification: Uncertain significance for Thrombophilia due to protein S deficiency, autosomal dominant. Last evaluated: 2025-09-01. Review status: no assertion criteria provided. Collection method: clinical testing. Allele origin: germline. Not counted in ClinVar's aggregate classification.
Comment: This variant was identified during a screening of patients with suspected hereditary Protein S deficiency. It has been described insufficiently in the literature (PMID: 26466767) and has not been characterized in vitro. According to dbSNP it represents a very rare genetic alteration, previously not detected in the European population according to the Allele Frequency Aggregator dataset. Taken together, we classified this variant as of uncertain significance.

Literature cited by the submitters: PubMed 26466767 (cited by Department of Transfusion Medicine and Hemostaseology, University Hospital Erlangen).

NM_000313.4(PROS1):c.1707C>T (p.Ser569=)

Gene: PROS1 (protein S; minus strand). Cytogenetic location: 3q11.1.
Variant type: single nucleotide variant.
Coding change: c.1707C>T on transcript NM_000313.4 (MANE Select); coding-DNA position 1707, C replaced by T.
Protein change: p.Ser569=; no amino-acid change (serine 569 retained).
Molecular consequence: synonymous variant.
Genome position (GRCh38, 1-based): chr3:93,877,129, G>A on the plus strand (C>T on the coding strand, the complement: PROS1 is on the minus strand). VCF-style: chr3-93877129-G-A. GRCh37 (hg19) VCF-style: chr3-93595973-G-A.
Other names: c.1803C>T, p.Ser601= (NM_001314077.2).
Identifiers: ClinVar variation 697493 (VCV000697493.10), dbSNP rs566166669, ClinGen allele CA2503118.
Genomic context (GRCh38, chr3:93,877,129, plus strand): 5'-TGGTGTCGACAACTCCAGATTGTTTCTGTTGACTCTAAATTCCAGATGAGATTGTTGATC[G>A]GAACATAGACTTAGGGCCTGTATCCGATATATTACAGTATTTTCAACAGATAACAGAATA-3'
Protein context (NP_000304.2, residues 559-579): IYRIQALSLC[Ser569=]DQQSHLEFRV